The following is an entry in ClinVar:

ClinVar aggregate classification (germline): Pathogenic/Likely pathogenic. Review status: criteria provided, multiple submitters, no conflicts (2 of 4 stars). 2 submissions from 2 submitters: Pathogenic (1); Likely pathogenic (1). Last evaluated 2025-04-17.

Conditions:
Autosomal recessive nonsyndromic hearing loss 77. Identifiers: Orphanet 90636, MedGen C2746083, MONDO:0013119, OMIM 613079.

Allele frequency attached by ClinVar (database versions not stated): gnomAD 0.00001.
gnomAD v4.1: 1 of 1,548,984 alleles (0.000065%); highest among the groups gnomAD compares: Admixed American, 0.002%; no homozygotes.

Submissions (2):

Natera, Inc.
Classification: Likely pathogenic for Autosomal recessive deafness type 77. Last evaluated: 2025-04-17. Review status: criteria provided, single submitter. Criteria: Natera Variant Classification Schema (03/2026). Collection method: clinical testing. Allele origin: germline.
Comment: The c.2860G>T variant in LOXHD1 is a nonsense variant predicted to introduce a stop codon at amino acid 954. This variant is expected to result in nonsense mediated decay, truncation, or a dysfunctional protein product. This variant is rare in the general population with a frequency below the threshold expected for the associated phenotype(s). Given the available evidence, this variant is classified as Likely Pathogenic.

Labcorp Genetics (formerly Invitae), Labcorp
Classification: Pathogenic. Last evaluated: 2023-04-04. Review status: criteria provided, single submitter. Criteria: Invitae Variant Classification Sherloc (09022015). Collection method: clinical testing. Allele origin: germline.
Comment: This sequence change creates a premature translational stop signal (p.Glu954*) in the LOXHD1 gene. It is expected to result in an absent or disrupted protein product. Loss-of-function variants in LOXHD1 are known to be pathogenic (PMID: 19732867, 21465660, 25792669). This variant is not present in population databases (gnomAD no frequency). This variant has not been reported in the literature in individuals affected with LOXHD1-related conditions. ClinVar contains an entry for this variant (Variation ID: 1424116). For these reasons, this variant has been classified as Pathogenic.

Literature cited by the submitters: PubMed 19732867 (cited by Labcorp Genetics (formerly Invitae), Labcorp); PubMed 21465660 (cited by Labcorp Genetics (formerly Invitae), Labcorp); PubMed 25792669 (cited by Labcorp Genetics (formerly Invitae), Labcorp).

NM_001384474.1(LOXHD1):c.2860G>T (p.Glu954Ter)

Gene: LOXHD1 (lipoxygenase homology PLAT domains 1; minus strand). Cytogenetic location: 18q21.1.
Variant type: single nucleotide variant.
Coding change: c.2860G>T on transcript NM_001384474.1 (MANE Select); coding-DNA position 2860, G replaced by T.
Protein change: p.Glu954Ter; replaces glutamic acid 954 with a stop codon.
Molecular consequence: nonsense.
Genome position (GRCh38, 1-based): chr18:46,560,284, C>A on the plus strand (G>T on the coding strand, the complement: LOXHD1 is on the minus strand). VCF-style: chr18-46560284-C-A. GRCh37 (hg19) VCF-style: chr18-44140247-C-A.
Other names: c.2860G>T, p.Glu954Ter (NM_144612.7); c.2860G>T (NM_144612.6); short protein forms E954*.
Identifiers: ClinVar variation 1424116 (VCV001424116.7), dbSNP rs2037491872, ClinGen allele CA402370874.
Genomic context (GRCh38, chr18:46,560,284, plus strand): 5'-CCTCTTCTTCCATCTCCTCCTCCTCTGACGAGGACTCCTCTGATGAGGACGACTCCTCTT[C>A]CTCCCCCTCGTCCTCTTCGTCGCTGCCCTTCCTCTTCTTCTTCTTCCTCTGCAGCTTGGC-3'